The following is an entry in ClinVar:

ClinVar aggregate classification (germline): Pathogenic (1 of 4 stars; one submission).

Conditions:
Mucolipidosis type II. Also called: ML II ALPHA/BETA; Mucolipidosis 2; ML 2; Inclusion cell disease; Leroy Disease; N-acetylglucosamine 1phosphotransferase deficiency. Identifiers: Orphanet 576, MedGen C2673377, MONDO:0009650, OMIM 252500.
Pseudo-Hurler polydystrophy. Also called: ML III; ML III ALPHA/BETA; Type III Mucolipidosis; ML IIIA; Mucolipidosis III Alpha/Beta; MUCOLIPIDOSIS IIIA. Identifiers: Orphanet 423461, Orphanet 577, MedGen C0033788, MONDO:0018931, OMIM 252600.

Submission:

Labcorp Genetics (formerly Invitae), Labcorp
Classification: Pathogenic for Pseudo-Hurler polydystrophy; Mucolipidosis type II. Last evaluated: 2023-06-27. Review status: criteria provided, single submitter. Criteria: Invitae Variant Classification Sherloc (09022015). Collection method: clinical testing. Allele origin: germline.
Comment: For these reasons, this variant has been classified as Pathogenic. Algorithms developed to predict the effect of sequence changes on RNA splicing suggest that this variant may disrupt the consensus splice site. Disruption of this splice site has been observed in individual(s) with clinical features of GNPTAB-related conditions (Invitae). In at least one individual the data is consistent with being in trans (on the opposite chromosome) from a pathogenic variant. This variant is not present in population databases (gnomAD no frequency). This sequence change affects an acceptor splice site in intron 11 of the GNPTAB gene. It is expected to disrupt RNA splicing. Variants that disrupt the donor or acceptor splice site typically lead to a loss of protein function (PMID: 16199547), and loss-of-function variants in GNPTAB are known to be pathogenic (PMID: 19617216, 25107912).

Literature cited by the submitters: PubMed 16199547; PubMed 19617216; PubMed 25107912.

NM_024312.5(GNPTAB):c.1409-1G>A

Gene: GNPTAB (N-acetylglucosamine-1-phosphate transferase subunits alpha and beta; minus strand). Cytogenetic location: 12q23.2.
Variant type: single nucleotide variant.
Coding change: c.1409-1G>A on transcript NM_024312.5 (MANE Select); the canonical splice acceptor site of the intron before coding-DNA position 1409, G replaced by A.
Molecular consequence: splice acceptor variant.
Genome position (GRCh38, 1-based): chr12:101,766,295, C>T on the plus strand (G>A on the coding strand, the complement: GNPTAB is on the minus strand). VCF-style: chr12-101766295-C-T. GRCh37 (hg19) VCF-style: chr12-102160073-C-T.
Identifiers: ClinVar variation 2949353 (VCV002949353.3), dbSNP rs2137119323, ClinGen allele CA386301465.